The following is an entry in ClinVar:

NM_014681.6(DHX34):c.1872C>A (p.Ser624Arg)

Gene: DHX34 (DExH-box helicase 34; plus strand). Cytogenetic location: 19q13.32.
Variant type: single nucleotide variant.
Coding change: c.1872C>A on transcript NM_014681.6 (MANE Select); coding-DNA position 1872, C replaced by A.
Protein change: p.Ser624Arg; replaces serine 624 with arginine.
Molecular consequence: missense variant.
Genome position (GRCh38, 1-based): chr19:47,372,833, C>A. VCF-style: chr19-47372833-C-A. GRCh37 (hg19) VCF-style: chr19-47876090-C-A.
Other names: short protein forms S624R.
Identifiers: ClinVar variation 2398769 (VCV002398769.3), dbSNP rs140315831, ClinGen allele CA9538258.

ClinVar aggregate classification (germline): Uncertain significance. Review status: criteria provided, multiple submitters, no conflicts (2 of 4 stars). 2 submissions from 2 submitters: Uncertain significance (2). Last evaluated 2024-09-09.

Conditions:
Predisposition to thrombocytopenia.

Allele frequency attached by ClinVar (database versions not stated): ExAC 0.00005; TOPMed 0.00009; gnomAD 0.00011; ESP Exome Variant Server 0.00023.
gnomAD v4.1: 189 of 1,612,316 alleles (0.012%); highest among the groups gnomAD compares: Non-Finnish European, 0.016%; no homozygotes.

Submissions (2):

St. Jude Molecular Pathology, St. Jude Children's Research Hospital
Classification: Uncertain significance for Predisposition to thrombocytopenia. Last evaluated: 2024-09-09. Review status: criteria provided, single submitter. Criteria: St. Jude Assertion Criteria 2020. Collection method: clinical testing. Allele origin: germline.
Comment: The DHX34 c.1872C>A (p.Ser624Arg) missense change has a maximum subpopulation frequency of 0.016% in gnomAD v2.1.1. The in silico tool REVEL predicts a benign effect on protein function, but this prediction has not been confirmed by functional studies. This variant has not been reported in individuals with DHX34-associated conditions. In summary, the evidence currently available is insufficient to determine the clinical significance of this variant. It has therefore been classified as of uncertain significance.

Ambry Genetics
Classification: Uncertain significance. Last evaluated: 2021-11-08. Review status: criteria provided, single submitter. Criteria: Ambry Variant Classification Scheme 2023. Collection method: clinical testing. Allele origin: germline.